The following is an entry in ClinVar:

ClinVar aggregate classification (germline): Uncertain significance. Review status: criteria provided, multiple submitters, no conflicts (2 of 4 stars). 4 submissions from 3 submitters: Uncertain significance (4). Last evaluated 2025-05-05.

Conditions:
Usher syndrome type 2A. Also called: USHER SYNDROME, TYPE IIA; RETINAL DISEASE IN USHER SYNDROME TYPE IIA, MODIFIER OF. Identifiers: Orphanet 231178, Orphanet 886, MedGen C1848634, MONDO:0010169, OMIM 276901.
Retinitis pigmentosa 39 (RP39). Identifiers: Orphanet 791, MedGen C3151138, MONDO:0013436, OMIM 613809.
Inborn genetic diseases. Identifiers: MedGen C0950123, MeSH D030342.

gnomAD v4.1: 2 of 1,614,020 alleles (0.00012%); highest among the groups gnomAD compares: Non-Finnish European, 0.00017%; no homozygotes.

Submissions (4):

Labcorp Genetics (formerly Invitae), Labcorp
Classification: Uncertain significance. Last evaluated: 2025-05-05. Review status: criteria provided, single submitter. Criteria: Invitae Variant Classification Sherloc (09022015). Collection method: clinical testing. Allele origin: germline.
Comment: This sequence change replaces isoleucine, which is neutral and non-polar, with asparagine, which is neutral and polar, at codon 3691 of the USH2A protein (p.Ile3691Asn). This variant is not present in population databases (gnomAD no frequency). This variant has not been reported in the literature in individuals affected with USH2A-related conditions. ClinVar contains an entry for this variant (Variation ID: 1448956). Invitae Evidence Modeling of protein sequence and biophysical properties (such as structural, functional, and spatial information, amino acid conservation, physicochemical variation, residue mobility, and thermodynamic stability) indicates that this missense variant is not expected to disrupt USH2A protein function with a negative predictive value of 95%. In summary, the available evidence is currently insufficient to determine the role of this variant in disease. Therefore, it has been classified as a Variant of Uncertain Significance.

Genome-Nilou Lab
Classification: Uncertain significance for Retinitis pigmentosa 39. Last evaluated: 2023-11-04. Review status: criteria provided, single submitter. Criteria: ACMG Guidelines, 2015. Collection method: clinical testing. Allele origin: germline. Affected: no.

Genome-Nilou Lab
Classification: Uncertain significance for Usher syndrome type 2A. Last evaluated: 2023-11-04. Review status: criteria provided, single submitter. Criteria: ACMG Guidelines, 2015. Collection method: clinical testing. Allele origin: germline. Affected: no.

Ambry Genetics
Classification: Uncertain significance for Inborn genetic diseases. Last evaluated: 2023-07-05. Review status: criteria provided, single submitter. Criteria: Ambry Variant Classification Scheme 2023. Collection method: clinical testing. Allele origin: germline.

NM_206933.4(USH2A):c.11072T>A (p.Ile3691Asn)

Gene: USH2A (usherin; minus strand). Cytogenetic location: 1q41.
Variant type: single nucleotide variant.
Coding change: c.11072T>A on transcript NM_206933.4 (MANE Select); coding-DNA position 11072, T replaced by A.
Protein change: p.Ile3691Asn; replaces isoleucine 3691 with asparagine.
Molecular consequence: missense variant.
Genome position (GRCh38, 1-based): chr1:215,759,819, A>T on the plus strand (T>A on the coding strand, the complement: USH2A is on the minus strand). VCF-style: chr1-215759819-A-T. GRCh37 (hg19) VCF-style: chr1-215933161-A-T.
Other names: c.11072T>A (NM_206933.2); short protein forms I3691N.
Identifiers: ClinVar variation 1448956 (VCV001448956.8), dbSNP rs2102742330, ClinGen allele CA344823305.